The following is an entry in ClinVar:

NM_006514.4(SCN10A):c.2987C>T (p.Ser996Phe)

Genes: SCN10A (sodium voltage-gated channel alpha subunit 10; minus strand), LOC110121288 (VISTA enhancer hs2268; plus strand). Cytogenetic location: 3p22.2.
Variant type: single nucleotide variant.
Coding change: c.2987C>T on transcript NM_006514.4 (MANE Select); coding-DNA position 2987, C replaced by T.
Protein change: p.Ser996Phe; replaces serine 996 with phenylalanine.
Molecular consequence: missense variant.
Genome position (GRCh38, 1-based): chr3:38,726,706, G>A on the plus strand (C>T on the coding strand, the complement: SCN10A is on the minus strand). VCF-style: chr3-38726706-G-A. GRCh37 (hg19) VCF-style: chr3-38768197-G-A.
Other names: c.2987C>T, p.Ser996Phe (NM_001293306.2); c.2693C>T, p.Ser898Phe (NM_001293307.2); short protein forms S898F, S996F.
Identifiers: ClinVar variation 4740300 (VCV004740300.1).

ClinVar aggregate classification (germline): Uncertain significance (1 of 4 stars; one submission).

Conditions:
Brugada syndrome. Also called: Sudden unexplained nocturnal death syndrome; Sudden unexpected nocturnal death syndrome; Sudden Unexplained Death Syndrome; Sudden Unexplained Nocturnal Death Syndrome (SUNDS). Identifiers: Orphanet 130, MedGen C1142166, MONDO:0015263.

Submission:

Labcorp Genetics (formerly Invitae), Labcorp
Classification: Uncertain significance for Brugada syndrome. Last evaluated: 2025-10-21. Review status: criteria provided, single submitter. Criteria: Invitae Variant Classification Sherloc (09022015). Collection method: clinical testing. Allele origin: germline.
Comment: This sequence change replaces serine, which is neutral and polar, with phenylalanine, which is neutral and non-polar, at codon 996 of the SCN10A protein (p.Ser996Phe). This variant is not present in population databases (gnomAD no frequency). This variant has not been reported in the literature in individuals affected with SCN10A-related conditions. Invitae Evidence Modeling of protein sequence and biophysical properties (such as structural, functional, and spatial information, amino acid conservation, physicochemical variation, residue mobility, and thermodynamic stability) indicates that this missense variant is not expected to disrupt SCN10A protein function with a negative predictive value of 80%. In summary, the available evidence is currently insufficient to determine the role of this variant in disease. Therefore, it has been classified as a Variant of Uncertain Significance.